The following is an entry in ClinVar:

NM_006734.4(HIVEP2):c.5194C>T (p.Pro1732Ser)

Gene: HIVEP2 (HIVEP zinc finger 2; minus strand). Cytogenetic location: 6q24.2.
Variant type: single nucleotide variant.
Coding change: c.5194C>T on transcript NM_006734.4 (MANE Select); coding-DNA position 5194, C replaced by T.
Protein change: p.Pro1732Ser; replaces proline 1732 with serine.
Molecular consequence: missense variant.
Genome position (GRCh38, 1-based): chr6:142,768,530, G>A on the plus strand (C>T on the coding strand, the complement: HIVEP2 is on the minus strand). VCF-style: chr6-142768530-G-A. GRCh37 (hg19) VCF-style: chr6-143089667-G-A.
Other names: short protein forms P1732S.
Identifiers: ClinVar variation 3371068 (VCV003371068.1).

ClinVar aggregate classification (germline): Uncertain significance (1 of 4 stars; one submission).

Submission:

GeneDx
Classification: Uncertain significance. Last evaluated: 2024-03-20. Review status: criteria provided, single submitter. Criteria: GeneDx Variant Classification Process June 2021. Collection method: clinical testing. Allele origin: germline. Affected: yes.
Comment: Not observed at significant frequency in large population cohorts (gnomAD); In silico analysis supports that this missense variant does not alter protein structure/function; Has not been previously published as pathogenic or benign to our knowledge